The following is an entry in ClinVar:

ClinVar aggregate classification (germline): Conflicting classifications of pathogenicity. Review status: criteria provided, conflicting classifications (1 of 4 stars). 5 submissions from 5 submitters: Pathogenic (2); Likely pathogenic (1); Uncertain significance (2). Last evaluated 2025-11-24.

Conditions:
Mitochondrial disease. Also called: Mitochondrial disorder; Mitochondrial disorders. Identifiers: Orphanet 68380, MedGen C0751651, MeSH D028361, MONDO:0044970.
Mitochondrial DNA depletion syndrome, myopathic form (MTDPS2). Also called: TK2-Related Mitochondrial DNA Maintenance Defect, Myopathic Form; MITOCHONDRIAL DNA DEPLETION SYNDROME 2 (MYOPATHIC TYPE); MITOCHONDRIAL DNA DEPLETION MYOPATHY, TK2-RELATED. Identifiers: Orphanet 254875, MedGen C3149750, MONDO:0012301, OMIM 609560.
Progressive external ophthalmoplegia with mitochondrial DNA deletions, autosomal recessive 3 (PEOB3). Also called: PROGRESSIVE EXTERNAL OPHTHALMOPLEGIA, AUTOSOMAL RECESSIVE 3. Identifiers: Orphanet 254886, MedGen C4310734, MONDO:0014898, OMIM 617069.

Allele frequency attached by ClinVar (database versions not stated): ExAC 0.00001; gnomAD 0.00001 and 0.00002; gnomAD exomes 0.00001 and 0.00002; TOPMed 0.00001.
gnomAD v4.1: 29 of 1,614,078 alleles (0.0018%); highest among the groups gnomAD compares: Non-Finnish European, 0.0024%; no homozygotes.

Submissions (5):

Genomenon, Inc
Classification: Likely pathogenic for Mitochondrial disease. Last evaluated: 2025-11-24. Review status: criteria provided, single submitter. Criteria: Genomenon Sequence Variant Interpretation Standards - Updated. Collection method: curation. Allele origin: germline. Affected: yes.
Comment: TK2 p.Arg196Ser (c.588A>T) is a missense variant that changes the amino acid at residue 196 from Arginine to Serine. This variant has been observed in multiple probands affected with mitochondrial disease in the compound heterozygous state (23932787, 32654952) and was found to segregate with disease in an affected family (32654952). This variant is not present at a significant frequency in gnomAD, and in silico models agree that this variant is possibly or probably damaging. In conclusion, we classify TK2 p.Arg196Ser (c.588A>T) as a likely pathogenic variant.

Women's Health and Genetics/Laboratory Corporation of America, LabCorp
Classification: Uncertain significance. Last evaluated: 2025-06-13. Review status: criteria provided, single submitter. Criteria: LabCorp Variant Classification Summary - May 2015. Collection method: clinical testing. Allele origin: germline.
Comment: Variant summary: TK2 c.588A>T (p.Arg196Ser) results in a non-conservative amino acid change located in the Deoxynucleoside kinase domain (IPR031314) of the encoded protein sequence. Algorithms developed to predict the effect of missense changes on protein structure and function all suggest that this variant is likely to be disruptive. The variant allele was found at a frequency of 1.2e-05 in 251494 control chromosomes. The available data on variant occurrences in the general population are insufficient to allow any conclusion about variant significance. c.588A>T has been reported in the literature in an individual affected with Mitochondrial DNA Depletion Syndrome - TK2 Related and in two sisters with respiratory muscle weakness and diaphragmatic dysfunction (example: Chanprasert_2013, Barcia_2020). These data do not allow any conclusion about variant significance. To our knowledge, no experimental evidence demonstrating an impact on protein function has been reported. The following publications have been ascertained in the context of this evaluation (PMID: 32654952, 23932787). ClinVar contains an entry for this variant (Variation ID: 1217245). Based on the evidence outlined above, the variant was classified as uncertain significance.

CeGaT Center for Human Genetics Tuebingen
Classification: Uncertain significance. Last evaluated: 2024-11-01. Review status: criteria provided, single submitter. Criteria: CeGaT Center For Human Genetics Tuebingen Variant Classification Criteria Version 2. Collection method: clinical testing. Allele origin: germline. Affected: yes. Observed: 1 variant allele.
Comment: TK2: PM2, PM3

Fulgent Genetics
Classification: Pathogenic for Mitochondrial DNA depletion syndrome, myopathic form; Progressive external ophthalmoplegia with mitochondrial DNA deletions, autosomal recessive 3. Last evaluated: 2024-06-16. Review status: criteria provided, single submitter. Criteria: ACMG Guidelines, 2015. Collection method: clinical testing. Allele origin: germline.

Labcorp Genetics (formerly Invitae), Labcorp
Classification: Pathogenic. Last evaluated: 2024-03-20. Review status: criteria provided, single submitter. Criteria: Invitae Variant Classification Sherloc (09022015). Collection method: clinical testing. Allele origin: germline.
Comment: This sequence change replaces arginine, which is basic and polar, with serine, which is neutral and polar, at codon 196 of the TK2 protein (p.Arg196Ser). This variant is present in population databases (rs752949191, gnomAD 0.003%). This missense change has been observed in individuals with TK2-related conditions (PMID: 23932787, 32654952). It has also been observed to segregate with disease in related individuals. ClinVar contains an entry for this variant (Variation ID: 1217245). Advanced modeling of protein sequence and biophysical properties (such as structural, functional, and spatial information, amino acid conservation, physicochemical variation, residue mobility, and thermodynamic stability) performed at Invitae indicates that this missense variant is expected to disrupt TK2 protein function with a positive predictive value of 80%. For these reasons, this variant has been classified as Pathogenic.

Literature cited by the submitters: PubMed 23932787 (cited by 3 submitters); PubMed 32654952 (cited by 3 submitters).

NM_004614.5(TK2):c.588A>T (p.Arg196Ser)

Gene: TK2 (thymidine kinase 2; minus strand). Cytogenetic location: 16q21.
Variant type: single nucleotide variant.
Coding change: c.588A>T on transcript NM_004614.5 (MANE Select); coding-DNA position 588, A replaced by T.
Protein change: p.Arg196Ser; replaces arginine 196 with serine.
Molecular consequence: missense variant. On other transcripts: non-coding transcript variant (1), intron variant (1).
Genome position (GRCh38, 1-based): chr16:66,517,166, T>A on the plus strand (A>T on the coding strand, the complement: TK2 is on the minus strand). VCF-style: chr16-66517166-T-A. GRCh37 (hg19) VCF-style: chr16-66551069-T-A.
Other names: c.495A>T, p.Arg165Ser (NM_001172643.1); c.513A>T, p.Arg171Ser (NM_001172644.2); c.534A>T, p.Arg178Ser (NM_001172645.2); c.441A>T, p.Arg147Ser (NM_001271934.2); c.297A>T, p.Arg99Ser (NM_001272050.2); c.357-3355A>T (NM_001271935.1); short protein forms R147S, R165S, R171S, R178S, R196S, R99S.
Identifiers: ClinVar variation 1217245 (VCV001217245.24), dbSNP rs752949191, ClinGen allele CA8093625.